The following is an entry in ClinVar:

ClinVar aggregate classification (germline): Uncertain significance (0 of 4 stars; one submission).

Conditions:
Autism (AUTS). Also called: Autistic disorder of childhood onset; Autistic disorder. Identifiers: MedGen C0004352, MeSH D001321, MONDO:0005260, OMIM 209850, HP:0000717.

Submission:

Centre for Addiction & Mental Health
Classification: Uncertain significance for Autism. Review status: no assertion criteria provided. Collection method: research. Allele origin: de novo. Affected: yes. Observed: 1 heterozygote. Segregation with disease not observed.
Comment: Gene not previously associated with disease; independent supporting evidence needed

NM_020683.7(TMIGD3):c.793del (p.Trp265fs)

Gene: TMIGD3 (transmembrane and immunoglobulin domain containing 3; minus strand). Cytogenetic location: 1p13.2.
Variant type: Deletion.
Coding change: c.793del on transcript NM_020683.7 (MANE Select); coding-DNA position 793, one base deleted (T; older notation c.793delT).
Protein change: p.Trp265fs; shifts the reading frame from tryptophan 265.
Molecular consequence: frameshift variant.
Genome position (GRCh38, 1-based): chr1:111,488,689, A deleted on the plus strand (T on the coding strand, the reverse complement: TMIGD3 is on the minus strand); the first of 4 consecutive A bases (chr1:111,488,689-111,488,692); deleting any one gives the same sequence. VCF-style (leftmost placement, unchanged base first): chr1-111488688-CA-C. GRCh37 (hg19) VCF-style: chr1-112031310-CA-C.
Other names: c.550del, p.Trp184fs (NM_001081976.3); c.286del, p.Trp96fs (NM_001302680.2); c.286delT (NM_001302680.2); short protein forms W184fs, W265fs, W96fs.
Identifiers: ClinVar variation 3338228 (VCV003338228.2).